The following is an entry in ClinVar:

NM_000414.4(HSD17B4):c.349+21C>T

Gene: HSD17B4 (hydroxysteroid 17-beta dehydrogenase 4; plus strand). Cytogenetic location: 5q23.1.
Variant type: single nucleotide variant.
Coding change: c.349+21C>T on transcript NM_000414.4 (MANE Select); 21 bases into the intron after coding-DNA position 349, C replaced by T.
Molecular consequence: intron variant.
Genome position (GRCh38, 1-based): chr5:119,475,891, C>T. VCF-style: chr5-119475891-C-T. GRCh37 (hg19) VCF-style: chr5-118811586-C-T.
Other names: p.?; c.-63+21C>T (NM_001374503.1, NM_001374502.1, NM_001374501.1 and 1 more transcripts); c.424+21C>T (NM_001199291.3); c.22+164C>T (NM_001374499.1); c.-190+21C>T (NM_001374500.1); c.277+21C>T (NM_001292027.2); c.349+21C>T (NM_001374498.1, NM_001374497.1); c.295+21C>T (NM_001199292.2).
Identifiers: ClinVar variation 1197165 (VCV001197165.4), dbSNP rs185080185, ClinGen allele CA3381794.

ClinVar aggregate classification (germline): Likely benign. Review status: criteria provided, multiple submitters, no conflicts (2 of 4 stars). 3 submissions from 3 submitters: Likely benign (3). Last evaluated 2025-12-10.

Allele frequency attached by ClinVar (database versions not stated): ExAC 0.00107; gnomAD 0.00123 and 0.00129; TOPMed 0.00068; 1000 Genomes Project 30x 0.00016; ESP Exome Variant Server 0.00092; 1000 Genomes Project 0.00020; gnomAD exomes 0.00090.
gnomAD v4.1: 1,611 of 1,524,128 alleles (0.11%); highest among the groups gnomAD compares: Non-Finnish European, 0.13%; 3 homozygotes.

Submissions (3):

Mayo Clinic Laboratories, Mayo Clinic
Classification: Likely benign. Last evaluated: 2025-12-10. Review status: criteria provided, single submitter. Criteria: ACMG Guidelines, 2015. Collection method: clinical testing. Allele origin: germline. Observed: 3 variant alleles.
Comment: BS1, BP4

GeneDx
Classification: Likely benign. Last evaluated: 2020-06-29. Review status: criteria provided, single submitter. Criteria: GeneDx Variant Classification Process June 2021. Collection method: clinical testing. Allele origin: germline. Affected: yes.

Breakthrough Genomics
Classification: Likely benign. Review status: criteria provided, single submitter. Criteria: ACMG Guidelines, 2015. Collection method: not provided. Allele origin: germline. Inheritance: Autosomal recessive inheritance. Affected: yes.